The following is an entry in ClinVar:

NM_001605.3(AARS1):c.2222C>G (p.Thr741Arg)

Gene: AARS1 (alanyl-tRNA synthetase 1; minus strand). Cytogenetic location: 16q22.1.
Variant type: single nucleotide variant.
Coding change: c.2222C>G on transcript NM_001605.3 (MANE Select); coding-DNA position 2222, C replaced by G.
Protein change: p.Thr741Arg; replaces threonine 741 with arginine.
Molecular consequence: missense variant.
Genome position (GRCh38, 1-based): chr16:70,255,792, G>C on the plus strand (C>G on the coding strand, the complement: AARS1 is on the minus strand). VCF-style: chr16-70255792-G-C. GRCh37 (hg19) VCF-style: chr16-70289695-G-C.
Other names: short protein forms T741R.
Identifiers: ClinVar variation 1800407 (VCV001800407.2), dbSNP rs148383122, ClinGen allele CA396557006.

ClinVar aggregate classification (germline): Uncertain significance (1 of 4 stars; one submission).

Conditions:
Inborn genetic diseases. Identifiers: MedGen C0950123, MeSH D030342.

gnomAD v4.1: 2 of 1,614,150 alleles (0.00012%); highest among the groups gnomAD compares: Non-Finnish European, 0.000085%; no homozygotes.

Submission:

Ambry Genetics
Classification: Uncertain significance for Inborn genetic diseases. Last evaluated: 2019-09-09. Review status: criteria provided, single submitter. Criteria: Ambry Variant Classification Scheme 2023. Collection method: clinical testing. Allele origin: germline.
Comment: The p.T741R variant (also known as c.2222C>G), located in coding exon 15 of the AARS gene, results from a C to G substitution at nucleotide position 2222. The threonine at codon 741 is replaced by arginine, an amino acid with similar properties. This amino acid position is poorly conserved in available vertebrate species. In addition, this alteration is predicted to be tolerated by in silico analysis. Since supporting evidence is limited at this time, the clinical significance of this alteration remains unclear.